The following is an entry in ClinVar:

ClinVar aggregate classification (germline): Uncertain significance (1 of 4 stars; one submission).

Conditions:
Hermansky-Pudlak syndrome 2 (HPS2). Also called: Platelet defects and oculocutaneous albinism. Identifiers: Orphanet 183678, Orphanet 79430, MedGen C1842362, MONDO:0011997, OMIM 608233.

Submission:

Labcorp Genetics (formerly Invitae), Labcorp
Classification: Uncertain significance for Hermansky-Pudlak syndrome 2. Last evaluated: 2022-04-07. Review status: criteria provided, single submitter. Criteria: Invitae Variant Classification Sherloc (09022015). Collection method: clinical testing. Allele origin: germline.
Comment: This sequence change falls in intron 12 of the AP3B1 gene. It does not directly change the encoded amino acid sequence of the AP3B1 protein. It affects a nucleotide within the consensus splice site. This variant is not present in population databases (gnomAD no frequency). This variant has not been reported in the literature in individuals affected with AP3B1-related conditions. Variants that disrupt the consensus splice site are a relatively common cause of aberrant splicing (PMID: 17576681, 9536098). Algorithms developed to predict the effect of sequence changes on RNA splicing suggest that this variant is not likely to affect RNA splicing. In summary, the available evidence is currently insufficient to determine the role of this variant in disease. Therefore, it has been classified as a Variant of Uncertain Significance.

Literature cited by the submitters: PubMed 17576681; PubMed 9536098.

NM_003664.5(AP3B1):c.1230+6T>C

Gene: AP3B1 (adaptor related protein complex 3 subunit beta 1; minus strand). Cytogenetic location: 5q14.1.
Variant type: single nucleotide variant.
Coding change: c.1230+6T>C on transcript NM_003664.5 (MANE Select); 6 bases into the intron after coding-DNA position 1230, T replaced by C.
Molecular consequence: intron variant.
Genome position (GRCh38, 1-based): chr5:78,165,604, A>G on the plus strand (T>C on the coding strand, the complement: AP3B1 is on the minus strand). VCF-style: chr5-78165604-A-G. GRCh37 (hg19) VCF-style: chr5-77461428-A-G.
Other names: c.1083+6T>C (NM_001271769.2).
Identifiers: ClinVar variation 2122678 (VCV002122678.4), dbSNP rs1371217203, ClinGen allele CA2580073463.